The following is an entry in ClinVar:

NM_001161352.2(KCNMA1):c.3493G>C (p.Glu1165Gln)

Gene: KCNMA1 (potassium calcium-activated channel subfamily M alpha 1; minus strand). Cytogenetic location: 10q22.3.
Variant type: single nucleotide variant.
Coding change: c.3493G>C on transcript NM_001161352.2 (MANE Select); coding-DNA position 3493, G replaced by C.
Protein change: p.Glu1165Gln; replaces glutamic acid 1165 with glutamine.
Molecular consequence: missense variant.
Genome position (GRCh38, 1-based): chr10:76,887,484, C>G on the plus strand (G>C on the coding strand, the complement: KCNMA1 is on the minus strand). VCF-style: chr10-76887484-C-G. GRCh37 (hg19) VCF-style: chr10-78647242-C-G.
Other names: c.3331G>C, p.Glu1111Gln (NM_001014797.3); c.3442G>C, p.Glu1148Gln (NM_001161353.2); c.3169G>C, p.Glu1057Gln (NM_001271518.2); c.3409G>C, p.Glu1137Gln (NM_001271519.2); c.3328G>C, p.Glu1110Gln (NM_001322829.2, NM_001322836.2); c.3421G>C, p.Glu1141Gln (NM_001322830.2); c.3319G>C, p.Glu1107Gln (NM_001322832.2, NM_002247.4); c.3412G>C, p.Glu1138Gln (NM_001322835.2, NM_001322837.2); and 1 more; short protein forms E1110Q, E1148Q, E956Q, E1138Q, E1141Q, E1111Q, E1057Q, E1107Q.
Identifiers: ClinVar variation 1407008 (VCV001407008.8), dbSNP rs757053731, ClinGen allele CA5567828.

ClinVar aggregate classification (germline): Uncertain significance (1 of 4 stars; one submission).

Conditions:
Generalized epilepsy-paroxysmal dyskinesia syndrome (PNKD3). Also called: Paroxysmal nonkinesigenic dyskinesia, 3, with or without generalized epilepsy; Generalized epilepsy and paroxysmal dyskinesia. Identifiers: Orphanet 79137, MedGen C5574945, MONDO:0012276, OMIM 609446.

Allele frequency attached by ClinVar (database versions not stated): ExAC 0.00001; gnomAD exomes 0.00001.
gnomAD v4.1: 3 of 1,614,108 alleles (0.00019%); highest among the groups gnomAD compares: Admixed American, 0.005%; no homozygotes.

Submission:

Labcorp Genetics (formerly Invitae), Labcorp
Classification: Uncertain significance for Generalized epilepsy-paroxysmal dyskinesia syndrome. Last evaluated: 2025-04-01. Review status: criteria provided, single submitter. Criteria: Invitae Variant Classification Sherloc (09022015). Collection method: clinical testing. Allele origin: germline.
Comment: This sequence change replaces glutamic acid, which is acidic and polar, with glutamine, which is neutral and polar, at codon 1107 of the KCNMA1 protein (p.Glu1107Gln). This variant is present in population databases (rs757053731, gnomAD 0.003%). This variant has not been reported in the literature in individuals affected with KCNMA1-related conditions. ClinVar contains an entry for this variant (Variation ID: 1407008). An algorithm developed to predict the effect of missense changes on protein structure and function (PolyPhen-2) suggests that this variant is likely to be disruptive. In summary, the available evidence is currently insufficient to determine the role of this variant in disease. Therefore, it has been classified as a Variant of Uncertain Significance.